The following is an entry in ClinVar:

ClinVar aggregate classification (germline): Uncertain significance (1 of 4 stars; one submission).

Conditions:
Baller-Gerold syndrome (BGS). Also called: CRANIOSYNOSTOSIS WITH RADIAL DEFECTS. Identifiers: Orphanet 1225, MedGen C0265308, MONDO:0009039, OMIM 218600.

Submission:

Labcorp Genetics (formerly Invitae), Labcorp
Classification: Uncertain significance for Baller-Gerold syndrome. Last evaluated: 2023-03-02. Review status: criteria provided, single submitter. Criteria: Invitae Variant Classification Sherloc (09022015). Collection method: clinical testing. Allele origin: germline.
Comment: This sequence change replaces glutamic acid, which is acidic and polar, with valine, which is neutral and non-polar, at codon 865 of the RECQL4 protein (p.Glu865Val). In summary, the available evidence is currently insufficient to determine the role of this variant in disease. Therefore, it has been classified as a Variant of Uncertain Significance. Algorithms developed to predict the effect of sequence changes on RNA splicing suggest that this variant may disrupt the consensus splice site. Advanced modeling of protein sequence and biophysical properties (such as structural, functional, and spatial information, amino acid conservation, physicochemical variation, residue mobility, and thermodynamic stability) performed at Invitae indicates that this missense variant is not expected to disrupt RECQL4 protein function. This variant has not been reported in the literature in individuals affected with RECQL4-related conditions. This variant is not present in population databases (gnomAD no frequency).

NM_004260.4(RECQL4):c.2594A>T (p.Glu865Val)

Gene: RECQL4 (RecQ like helicase 4; minus strand). Cytogenetic location: 8q24.3.
Variant type: single nucleotide variant.
Coding change: c.2594A>T on transcript NM_004260.4 (MANE Select); coding-DNA position 2594, A replaced by T.
Protein change: p.Glu865Val; replaces glutamic acid 865 with valine.
Molecular consequence: missense variant. On other transcripts: non-coding transcript variant (3).
Genome position (GRCh38, 1-based): chr8:144,513,008, T>A on the plus strand (A>T on the coding strand, the complement: RECQL4 is on the minus strand). VCF-style: chr8-144513008-T-A. GRCh37 (hg19) VCF-style: chr8-145738391-T-A.
Other names: c.1127A>T, p.Glu376Val (NM_001413043.1); c.2564A>T, p.Glu855Val (NM_001413039.1); c.1523A>T, p.Glu508Val (NM_001413040.1, NM_001413021.1, NM_001413022.1 and 5 more transcripts); c.1457A>T, p.Glu486Val (NM_001413041.1, NM_001413027.1, NM_001413030.1 and 1 more transcripts); c.1493A>T, p.Glu498Val (NM_001413042.1); c.2300A>T, p.Glu767Val (NM_001413017.1); c.2396A>T, p.Glu799Val (NM_001413018.1); c.2594A>T, p.Glu865Val (NM_001413019.1, NM_001413036.1); and 6 more; short protein forms E376V, E508V, E767V, E799V, E821V, E865V, E442V, E464V.
Identifiers: ClinVar variation 2883055 (VCV002883055.3), dbSNP rs1827541741, ClinGen allele CA372676918.
Genomic context (GRCh38, chr8:144,513,008, plus strand): 5'-AGCTGCTCAGCCTCTTGAGGGGGGTACTTGGGCACAGGCCTCTCCCCACCCACGGCCCCT[T>A]CCTGCTCCGAGGGCGGCCTGGTGCAGGTGCAGGTGCAGGCTGGGAACACGCGCTGTACCA-3'
Protein context (NP_004251.4, residues 855-875): CTCTRPPSEQ[Glu865Val]GAVGGERPVP